The following is an entry in ClinVar:

ClinVar aggregate classification (germline): Conflicting classifications of pathogenicity. Review status: criteria provided, conflicting classifications (1 of 4 stars). 3 submissions from 3 submitters: Uncertain significance (1); Likely benign (2). Last evaluated 2026-01-06.

Conditions:
Inborn genetic diseases. Identifiers: MedGen C0950123, MeSH D030342.
Aortic valve disease 2 (AOVD2). Identifiers: MedGen C3542024, MONDO:0013902, OMIM 614823.

Allele frequency attached by ClinVar (database versions not stated): TOPMed 0.00010; gnomAD 0.00011 and 0.00012; gnomAD exomes 0.00011 and 0.00018; ExAC 0.00017.
gnomAD v4.1: 226 of 1,376,118 alleles (0.016%); highest among the groups gnomAD compares: Non-Finnish European, 0.021%; no homozygotes.

Submissions (3):

Labcorp Genetics (formerly Invitae), Labcorp
Classification: Uncertain significance for Aortic valve disease 2. Last evaluated: 2026-01-06. Review status: criteria provided, single submitter. Criteria: Invitae Variant Classification Sherloc (09022015). Collection method: clinical testing. Allele origin: germline.
Comment: This sequence change replaces alanine, which is neutral and non-polar, with valine, which is neutral and non-polar, at codon 161 of the SMAD6 protein (p.Ala161Val). This variant is present in population databases (rs748622672, gnomAD 0.03%). This variant has not been reported in the literature in individuals affected with SMAD6-related conditions. ClinVar contains an entry for this variant (Variation ID: 240179). Invitae Evidence Modeling of protein sequence and biophysical properties (such as structural, functional, and spatial information, amino acid conservation, physicochemical variation, residue mobility, and thermodynamic stability) indicates that this missense variant is not expected to disrupt SMAD6 protein function with a negative predictive value of 80%. In summary, the available evidence is currently insufficient to determine the role of this variant in disease. Therefore, it has been classified as a Variant of Uncertain Significance.

Women's Health and Genetics/Laboratory Corporation of America, LabCorp
Classification: Likely benign. Last evaluated: 2023-10-09. Review status: criteria provided, single submitter. Criteria: LabCorp Variant Classification Summary - May 2015. Collection method: clinical testing. Allele origin: germline.

Ambry Genetics
Classification: Likely benign for Inborn genetic diseases. Last evaluated: 2022-05-25. Review status: criteria provided, single submitter. Criteria: Ambry Variant Classification Scheme 2023. Collection method: clinical testing. Allele origin: germline.

NM_005585.5(SMAD6):c.482C>T (p.Ala161Val)

Gene: SMAD6 (SMAD family member 6; plus strand). Cytogenetic location: 15q22.31.
Variant type: single nucleotide variant.
Coding change: c.482C>T on transcript NM_005585.5 (MANE Select); coding-DNA position 482, C replaced by T.
Protein change: p.Ala161Val; replaces alanine 161 with valine.
Molecular consequence: missense variant. On other transcripts: non-coding transcript variant (1).
Genome position (GRCh38, 1-based): chr15:66,703,740, C>T. VCF-style: chr15-66703740-C-T. GRCh37 (hg19) VCF-style: chr15-66996078-C-T.
Other names: short protein forms A161V.
Identifiers: ClinVar variation 240179 (VCV000240179.10), dbSNP rs748622672, ClinGen allele CA7626471.